The following is an entry in ClinVar:

ClinVar aggregate classification (germline): Likely benign (0 of 4 stars; one submission).

Conditions:
CD40LG-related disorder. Also called: CD40LG-related condition.

Allele frequency attached by ClinVar (database versions not stated): ExAC 0.00023; TOPMed 0.00025; gnomAD 0.00029; ESP Exome Variant Server 0.00039; gnomAD exomes 0.00052.

Submission:

PreventionGenetics, part of Exact Sciences
Classification: Likely benign for CD40LG-related condition. Last evaluated: 2024-08-31. Review status: no assertion criteria provided. Collection method: clinical testing. Allele origin: germline.
Comment: This variant is classified as likely benign based on ACMG/AMP sequence variant interpretation guidelines (Richards et al. 2015 PMID: 25741868, with internal and published modifications).

NM_000074.3(CD40LG):c.289-37_289-36del

Gene: CD40LG (CD40 ligand; plus strand). Cytogenetic location: Xq26.3.
Variant type: Deletion.
Coding change: c.289-37_289-36del on transcript NM_000074.3 (MANE Select); 37 bases into the intron before coding-DNA position 289 through 36 bases into the intron before coding-DNA position 289, 2 bases deleted (CT; older notation c.289-37_289-36delCT).
Molecular consequence: intron variant.
Genome position (GRCh38, 1-based): chrX:136,654,336-136,654,337, CT deleted. VCF-style (leftmost placement, unchanged base first): chrX-136654335-CCT-C. GRCh37 (hg19) VCF-style: chrX-135736494-CCT-C.
Identifiers: ClinVar variation 3050209 (VCV003050209.2), dbSNP rs751481337, ClinGen allele CA10528108.